The following is an entry in ClinVar:

ClinVar aggregate classification (germline): Uncertain significance (1 of 4 stars; one submission).

Submission:

Women's Health and Genetics/Laboratory Corporation of America, LabCorp
Classification: Uncertain significance. Last evaluated: 2026-04-08. Review status: criteria provided, single submitter. Criteria: LabCorp Variant Classification Summary - May 2015. Collection method: clinical testing. Allele origin: germline.
Comment: Variant summary: SLC35C1 c.312C>A (p.Phe104Leu) results in a non-conservative amino acid change in the encoded protein sequence. Algorithms developed to predict the effect of missense changes on protein structure and function are either unavailable or do not agree on the potential impact of this missense change. The variant allele was found at a frequency of 4e-06 in 248408 control chromosomes. The available data on variant occurrences in the general population are insufficient to allow any conclusion about variant significance. To our knowledge, no occurrence of c.312C>A in individuals affected with SLC35C1-related conditions and no experimental evidence demonstrating its impact on protein function have been reported. No submitters have cited clinical-significance assessments for this variant to ClinVar. Based on the evidence outlined above, the variant was classified as uncertain significance.

NM_018389.5(SLC35C1):c.312C>A (p.Phe104Leu)

Gene: SLC35C1 (solute carrier family 35 member C1; plus strand). Cytogenetic location: 11p11.2.
Variant type: single nucleotide variant.
Coding change: c.312C>A on transcript NM_018389.5 (MANE Select); coding-DNA position 312, C replaced by A.
Protein change: p.Phe104Leu; replaces phenylalanine 104 with leucine.
Molecular consequence: missense variant.
Genome position (GRCh38, 1-based): chr11:45,806,113, C>A. VCF-style: chr11-45806113-C-A. GRCh37 (hg19) VCF-style: chr11-45827664-C-A.
Other names: c.273C>A, p.Phe91Leu (NM_001145265.2, NM_001145266.2, NM_001425156.1); c.312C>A, p.Phe104Leu (NM_001425155.1); short protein forms F104L, F91L.
Identifiers: ClinVar variation 4848736 (VCV004848736.1).